The following is an entry in ClinVar:

ClinVar aggregate classification (germline): Uncertain significance (1 of 4 stars; one submission).

Conditions:
Inborn genetic diseases. Identifiers: MedGen C0950123, MeSH D030342.

Submission:

Ambry Genetics
Classification: Uncertain significance for Inborn genetic diseases. Last evaluated: 2026-06-29. Review status: criteria provided, single submitter. Criteria: Ambry Variant Classification Scheme 2023. Collection method: clinical testing. Allele origin: germline.
Comment: The c.296G>T (p.R99I) alteration is located in exon 3 (coding exon 3) of the NFIA gene. This alteration results from a G to T substitution at nucleotide position 296, causing the arginine (R) at amino acid position 99 to be replaced by an isoleucine (I). Based on data from gnomAD, the T allele has an overall frequency of 0.003% (1/31326) total alleles studied. The highest observed frequency was 0.118% (1/846) of Latino alleles. Based on insufficient or conflicting evidence, the clinical significance of this alteration remains unclear.

NM_001134673.4(NFIA):c.161G>T (p.Arg54Ile)

Gene: NFIA (nuclear factor I A; plus strand). Cytogenetic location: 1p31.3.
Variant type: single nucleotide variant.
Coding change: c.161G>T on transcript NM_001134673.4 (MANE Select); coding-DNA position 161, G replaced by T.
Protein change: p.Arg54Ile; replaces arginine 54 with isoleucine.
Molecular consequence: missense variant.
Genome position (GRCh38, 1-based): chr1:61,088,282, G>T. VCF-style: chr1-61088282-G-T. GRCh37 (hg19) VCF-style: chr1-61553954-G-T.
Other names: c.137G>T, p.Arg46Ile (NM_001145511.2); c.296G>T, p.Arg99Ile (NM_001145512.2); c.161G>T, p.Arg54Ile (NM_005595.5); short protein forms R54I, R99I, R46I.
Identifiers: ClinVar variation 5025728 (VCV005025728.1).